The following is an entry in ClinVar:

NM_007294.4(BRCA1):c.2324C>T (p.Thr775Ile)

Gene: BRCA1 (BRCA1 DNA repair associated; minus strand). Cytogenetic location: 17q21.31.
Variant type: single nucleotide variant.
Coding change: c.2324C>T on transcript NM_007294.4 (MANE Select); coding-DNA position 2324, C replaced by T.
Protein change: p.Thr775Ile; replaces threonine 775 with isoleucine.
Molecular consequence: missense variant. On other transcripts: intron variant (137).
Genome position (GRCh38, 1-based): chr17:43,093,207, G>A on the plus strand (C>T on the coding strand, the complement: BRCA1 is on the minus strand). VCF-style: chr17-43093207-G-A. GRCh37 (hg19) VCF-style: chr17-41245224-G-A.
Other names: c.784+1537C>T (NM_001407991.1, NM_001408407.1, NM_001408402.1 and 13 more transcripts); c.664+1537C>T (NM_001408427.1, NM_001408436.1, NM_001408444.1 and 12 more transcripts); c.523+1537C>T (NM_001408496.1, NM_001408498.1, NM_001408501.1 and 3 more transcripts); c.646+1537C>T (NM_001408460.1, NM_001408454.1, NM_001408458.1 and 11 more transcripts); c.574+1537C>T (NM_001408493.1, NM_001408490.1, NM_001408491.1); c.454+1537C>T (NM_001408502.1); c.577+1537C>T (NM_001408489.1, NM_001408479.1, NM_001408481.1 and 9 more transcripts); c.706+1537C>T (NM_001408413.1, NM_001408416.1); and 41 more; short protein forms T728I, T775I, T607I, T664I, T707I, T708I, T774I, T479I.
Identifiers: ClinVar variation 646088 (VCV000646088.9), dbSNP rs1567796086, ClinGen allele CA10597354.
Genomic context (GRCh38, chr17:43,093,207, plus strand): 5'-TTTGCCTTCCCTAGAGTGCTAACTTCCAGTAACGAGATACTTTCCTGAGTGCCATAATCA[G>A]TACCAGGTACCAATGAAATACTGCTACTCTCTACAGATCTTTCAGTTTGCAAAACCCTTT-3'
Protein context (NP_009225.1, residues 765-785): ESSSISLVPG[Thr775Ile]DYGTQESISL

ClinVar aggregate classification (germline): Conflicting classifications of pathogenicity. Review status: criteria provided, conflicting classifications (1 of 4 stars). 2 submissions from 2 submitters: Uncertain significance (1); Likely benign (1). Last evaluated 2023-03-23.

Conditions:
Hereditary breast ovarian cancer syndrome. Also called: Hereditary breast and ovarian cancer; Hereditary breast and ovarian cancer syndrome; BRCA1- and BRCA2-Associated Hereditary Breast and Ovarian Cancer; Hereditary breast and ovarian cancer syndrome (HBOC); Breast and ovarian cancer; Hereditary breast and/or ovarian cancer syndrome. Identifiers: Orphanet 145, MedGen C0677776, MeSH D061325, MONDO:0003582. Disease mechanism: loss of function.
Hereditary cancer-predisposing syndrome. Also called: Hereditary Cancer Syndrome; Tumor predisposition; Hereditary neoplastic syndrome; Neoplastic Syndromes, Hereditary. Identifiers: Orphanet 140162, MedGen C0027672, MeSH D009386, MONDO:0015356.

Submissions (2):

University of Washington Department of Laboratory Medicine, University of Washington
Classification: Likely benign for Hereditary cancer-predisposing syndrome. Last evaluated: 2023-03-23. Review status: criteria provided, single submitter. Criteria: Dines et al. (Genet Med. 2020). Collection method: curation. Allele origin: germline.
Comment: Missense variant in a coldspot region where missense variants are very unlikely to be pathogenic (PMID:31911673).

BRCA1 coldspot (exon 11 using historical exon numbering). Reclassification based on statistical prior probability

Labcorp Genetics (formerly Invitae), Labcorp
Classification: Uncertain significance for Hereditary breast ovarian cancer syndrome. Last evaluated: 2022-08-09. Review status: criteria provided, single submitter. Criteria: Invitae Variant Classification Sherloc (09022015). Collection method: clinical testing. Allele origin: germline.
Comment: ClinVar contains an entry for this variant (Variation ID: 646088). This sequence change replaces threonine, which is neutral and polar, with isoleucine, which is neutral and non-polar, at codon 775 of the BRCA1 protein (p.Thr775Ile). This variant is not present in population databases (gnomAD no frequency). This variant has not been reported in the literature in individuals affected with BRCA1-related conditions. Advanced modeling of protein sequence and biophysical properties (such as structural, functional, and spatial information, amino acid conservation, physicochemical variation, residue mobility, and thermodynamic stability) performed at Invitae indicates that this missense variant is not expected to disrupt BRCA1 protein function. In summary, the available evidence is currently insufficient to determine the role of this variant in disease. Therefore, it has been classified as a Variant of Uncertain Significance.